The following is an entry in ClinVar:

ClinVar aggregate classification (germline): Uncertain significance (1 of 4 stars; one submission).

Conditions:
Polycystic kidney disease 2 (PKD2). Also called: POLYCYSTIC KIDNEY DISEASE 2 WITH OR WITHOUT POLYCYSTIC LIVER DISEASE; Polycystic Kidney Disease 2, Autosomal Dominant; POLYCYSTIC KIDNEY DISEASE, ADULT, TYPE II. Identifiers: MedGen C2751306, MONDO:0013131, OMIM 613095.

Submission:

Juno Genomics, Hangzhou Juno Genomics, Inc
Classification: Uncertain significance for Polycystic kidney disease 2. Review status: criteria provided, single submitter. Criteria: ACMG Guidelines, 2015. Collection method: clinical testing. Allele origin: germline. Affected: yes.
Comment: Absent from controls (or at extremely low frequency if recessive) in Genome Aggregation Database.;Multiple lines of computational evidence support a deleterious effect on the gene or gene product.

NM_000297.4(PKD2):c.1898T>A (p.Ile633Asn)

Gene: PKD2 (polycystin 2, transient receptor potential cation channel; plus strand). Cytogenetic location: 4q22.1.
Variant type: single nucleotide variant.
Coding change: c.1898T>A on transcript NM_000297.4 (MANE Select); coding-DNA position 1898, T replaced by A.
Protein change: p.Ile633Asn; replaces isoleucine 633 with asparagine.
Molecular consequence: missense variant. On other transcripts: non-coding transcript variant (1).
Genome position (GRCh38, 1-based): chr4:88,056,267, T>A. VCF-style: chr4-88056267-T-A. GRCh37 (hg19) VCF-style: chr4-88977419-T-A.
Other names: c.1673T>A, p.Ile558Asn (NM_001440544.1); short protein forms I558N, I633N.
Identifiers: ClinVar variation 5019796 (VCV005019796.1).
Genomic context (GRCh38, chr4:88,056,267, plus strand): 5'-AGTTGGCATACCTTGTCTTTGGCACTCAGGTCGATGACTTCAGTACTTTCCAAGAGTGTA[T>A]GTAAGTATATATGAAATTAAGAAGAAAAATTTAATCAGAGTTGTCACTGCTTCTCAAGAA-3'
Protein context (NP_000288.1, residues 623-643): VDDFSTFQEC[Ile633Asn]FTQFRIILGD